The following is an entry in ClinVar:

ClinVar aggregate classification (germline): Uncertain significance (1 of 4 stars; one submission).

Submission:

Labcorp Genetics (formerly Invitae), Labcorp
Classification: Uncertain significance. Last evaluated: 2019-09-02. Review status: criteria provided, single submitter. Criteria: Invitae Variant Classification Sherloc (09022015). Collection method: clinical testing. Allele origin: germline.
Comment: In summary, the available evidence is currently insufficient to determine the role of this variant in disease. Therefore, it has been classified as a Variant of Uncertain Significance. Algorithms developed to predict the effect of missense changes on protein structure and function (SIFT, PolyPhen-2, Align-GVGD) all suggest that this variant is likely to be tolerated, but these predictions have not been confirmed by published functional studies and their clinical significance is uncertain. This variant has not been reported in the literature in individuals with SCN3A-related conditions. This variant is not present in population databases (ExAC no frequency). This sequence change replaces glutamine with lysine at codon 787 of the SCN3A protein (p.Gln787Lys). The glutamine residue is highly conserved and there is a small physicochemical difference between glutamine and lysine.

NM_006922.4(SCN3A):c.2359C>A (p.Gln787Lys)

Gene: SCN3A (sodium voltage-gated channel alpha subunit 3; minus strand). Cytogenetic location: 2q24.3.
Variant type: single nucleotide variant.
Coding change: c.2359C>A on transcript NM_006922.4 (MANE Select); coding-DNA position 2359, C replaced by A.
Protein change: p.Gln787Lys; replaces glutamine 787 with lysine.
Molecular consequence: missense variant.
Genome position (GRCh38, 1-based): chr2:165,137,911, G>T on the plus strand (C>A on the coding strand, the complement: SCN3A is on the minus strand). VCF-style: chr2-165137911-G-T. GRCh37 (hg19) VCF-style: chr2-165994421-G-T.
Other names: c.2212C>A, p.Gln738Lys (NM_001081676.2, NM_001081677.2); short protein forms Q738K, Q787K.
Identifiers: ClinVar variation 938665 (VCV000938665.9), dbSNP rs1687764296, ClinGen allele CA349045010.